The following is an entry in ClinVar:

ClinVar aggregate classification (germline): Conflicting classifications of pathogenicity. Review status: criteria provided, conflicting classifications (1 of 4 stars). 5 submissions from 4 submitters: Uncertain significance (3); Benign (1). 1 of the submissions does not count toward it. Last evaluated 2026-01-16.

Conditions:
Osteogenesis imperfecta (OI). Identifiers: Orphanet 666, MedGen C0029434, MeSH D010013, MONDO:0019019.
P3H1-related disorder. Also called: P3H1-related condition.
Osteogenesis Imperfecta, Recessive.
Osteogenesis imperfecta type 8 (OI8). Identifiers: MedGen C1970458, MONDO:0012581, OMIM 610915.

Allele frequency attached by ClinVar (database versions not stated): gnomAD exomes 0.00020 and 0.00029; TOPMed 0.00021; gnomAD 0.00022 and 0.00033; ESP Exome Variant Server 0.00023; ExAC 0.00031; 1000 Genomes Project 30x 0.00141; 1000 Genomes Project 0.00180.
gnomAD v4.1: 466 of 1,614,158 alleles (0.029%); highest among the groups gnomAD compares: East Asian, 0.78%; 4 homozygotes.

Submissions (5):

Labcorp Genetics (formerly Invitae), Labcorp
Classification: Benign for Osteogenesis imperfecta type 8. Last evaluated: 2026-01-16. Review status: criteria provided, single submitter. Criteria: Invitae Variant Classification Sherloc (09022015). Collection method: clinical testing. Allele origin: germline.

Genome Diagnostics Laboratory, The Hospital for Sick Children
Classification: Uncertain significance for Osteogenesis imperfecta. Last evaluated: 2018-11-01. Review status: criteria provided, single submitter. Criteria: ACMG Guidelines, 2015. Collection method: clinical testing. Allele origin: germline.

Illumina Laboratory Services, Illumina
Classification: Uncertain significance for Osteogenesis imperfecta type 8. Last evaluated: 2018-01-13. Review status: criteria provided, single submitter. Criteria: ICSL Variant Classification Criteria 13 December 2019. Collection method: clinical testing. Allele origin: germline.

Illumina Laboratory Services, Illumina
Classification: Uncertain significance for Osteogenesis Imperfecta, Recessive. Last evaluated: 2017-04-27. Review status: criteria provided, single submitter. Criteria: ICSL Variant Classification Criteria 13 December 2019. Collection method: clinical testing. Allele origin: germline.

PreventionGenetics, part of Exact Sciences
Classification: Likely benign for P3H1-related condition. Last evaluated: 2019-09-23. Review status: no assertion criteria provided. Collection method: clinical testing. Allele origin: germline. Not counted in ClinVar's aggregate classification.
Comment: This variant is classified as likely benign based on ACMG/AMP sequence variant interpretation guidelines (Richards et al. 2015 PMID: 25741868, with internal and published modifications).

NM_022356.4(P3H1):c.1428C>T (p.Gly476=)

Gene: P3H1 (prolyl 3-hydroxylase 1; minus strand). Cytogenetic location: 1p34.2.
Variant type: single nucleotide variant.
Coding change: c.1428C>T on transcript NM_022356.4 (MANE Select); coding-DNA position 1428, C replaced by T.
Protein change: p.Gly476=; no amino-acid change (glycine 476 retained).
Molecular consequence: synonymous variant.
Genome position (GRCh38, 1-based): chr1:42,752,582, G>A on the plus strand (C>T on the coding strand, the complement: P3H1 is on the minus strand). VCF-style: chr1-42752582-G-A. GRCh37 (hg19) VCF-style: chr1-43218253-G-A.
Other names: c.1428C>T, p.Gly476= (NM_001146289.2, NM_001243246.2).
Identifiers: ClinVar variation 468968 (VCV000468968.21), dbSNP rs141786883, ClinGen allele CA801849.